The following is an entry in ClinVar:

ClinVar aggregate classification (germline): Pathogenic (1 of 4 stars; one submission).

Conditions:
Congenital muscular dystrophy due to integrin alpha-7 deficiency. Also called: MYOPATHY, CONGENITAL, DUE TO INTEGRIN ALPHA-7 DEFICIENCY; Muscular dystrophy, congenital, due to ITGA7 deficiency; Congenital muscular dystrophy with integrin alpha-7 deficiency. Identifiers: Orphanet 34520, MedGen C2750786, MONDO:0013177, OMIM 613204.

Submission:

Labcorp Genetics (formerly Invitae), Labcorp
Classification: Pathogenic for Congenital muscular dystrophy due to integrin alpha-7 deficiency. Last evaluated: 2022-08-22. Review status: criteria provided, single submitter. Criteria: Invitae Variant Classification Sherloc (09022015). Collection method: clinical testing. Allele origin: germline.
Comment: This variant is a gross deletion of the genomic region encompassing exon(s) 6-9 of the ITGA7 gene. This deletion is out-of-frame, and is expected to create a premature termination codon and result in an absent or disrupted protein product. Loss-of-function variants in ITGA7 are known to be pathogenic (PMID: 9590299). This variant has not been reported in the literature in individuals affected with ITGA7-related conditions. For these reasons, this variant has been classified as Pathogenic.

Literature cited by the submitters: PubMed 9590299.

NC_000012.11:g.(?_56091458)_(56093230_?)del

Gene: ITGA7 (integrin subunit alpha 7; minus strand). Cytogenetic location: 12q13.2.
Variant type: Deletion.
Identifiers: ClinVar variation 2424369 (VCV002424369.3).